The following is an entry in ClinVar:

NM_001522.3(GUCY2F):c.2148A>G (p.Glu716=)

Gene: GUCY2F (guanylate cyclase 2F, retinal; minus strand). Cytogenetic location: Xq22.3.
Variant type: single nucleotide variant.
Coding change: c.2148A>G on transcript NM_001522.3 (MANE Select); coding-DNA position 2148, A replaced by G.
Protein change: p.Glu716=; no amino-acid change (glutamic acid 716 retained).
Molecular consequence: synonymous variant.
Genome position (GRCh38, 1-based): chrX:109,398,676, T>C on the plus strand (A>G on the coding strand, the complement: GUCY2F is on the minus strand). VCF-style: chrX-109398676-T-C. GRCh37 (hg19) VCF-style: chrX-108641905-T-C.
Identifiers: ClinVar variation 3905637 (VCV003905637.10).
Genomic context (GRCh38, chrX:109,398,676, plus strand): 5'-AAAGCTATAGACATCTCCTGCAAAAGAACCTAACCTGCTGCCTCTTGGAGCTCTCAACAG[T>C]TCAGGGGCCGTCCACAGCAGCTCTAAAAAGAAAGCATTGTGTAATGAATGCAGGGAGGAT-3'
Protein context (NP_001513.2, residues 706-726): SMEELLWTAP[Glu716=]LLRAPRGSRL

ClinVar aggregate classification (germline): Likely benign (1 of 4 stars; one submission).

gnomAD v4.1: 2 of 1,210,199 alleles (0.00017%); highest among the groups gnomAD compares: South Asian, 0.0035%; no homozygotes.

Submission:

CeGaT Center for Human Genetics Tuebingen
Classification: Likely benign. Last evaluated: 2025-06-01. Review status: criteria provided, single submitter. Criteria: CeGaT Center For Human Genetics Tuebingen Variant Classification Criteria Version 2. Collection method: clinical testing. Allele origin: germline. Affected: yes. Observed: 1 variant allele.
Comment: GUCY2F: BP4, BP7